The following is an entry in ClinVar:

ClinVar aggregate classification (germline): Likely benign (0 of 4 stars; one submission).

Conditions:
WNT4-related disorder. Also called: WNT4-related condition.

Submission:

PreventionGenetics, part of Exact Sciences
Classification: Likely benign for WNT4-related condition. Last evaluated: 2023-12-13. Review status: no assertion criteria provided. Collection method: clinical testing. Allele origin: germline.
Comment: This variant is classified as likely benign based on ACMG/AMP sequence variant interpretation guidelines (Richards et al. 2015 PMID: 25741868, with internal and published modifications).

NM_030761.5(WNT4):c.-9_-8dup

Gene: WNT4 (Wnt family member 4; minus strand). Cytogenetic location: 1p36.12.
Variant type: Duplication.
Coding change: c.-9_-8dup on transcript NM_030761.5 (MANE Select); 9 bases upstream of the start codon through 8 bases upstream of the start codon, 2 bases duplicated (GG; older notation c.-9_-8dupGG).
Molecular consequence: 5 prime UTR variant.
Genome position (GRCh38, 1-based): chr1:22,142,930-22,142,931, CC duplicated on the plus strand (GG on the coding strand, the reverse complement: WNT4 is on the minus strand). VCF-style (leftmost placement, unchanged base first): chr1-22142929-G-GCC. GRCh37 (hg19) VCF-style: chr1-22469422-G-GCC.
Identifiers: ClinVar variation 3029272 (VCV003029272.2), dbSNP rs2522465430, ClinGen allele CA2740090618.